The following is an entry in ClinVar:

ClinVar aggregate classification (germline): Uncertain significance (1 of 4 stars; one submission).

Conditions:
DICER1-related tumor predisposition. Also called: DICER1 syndrome; DICER1-related pleuropulmonary blastoma cancer predisposition syndrome. Identifiers: Orphanet 284343, MedGen C3839822, MONDO:0100216.

Submission:

Labcorp Genetics (formerly Invitae), Labcorp
Classification: Uncertain significance for DICER1-related tumor predisposition. Last evaluated: 2022-06-22. Review status: criteria provided, single submitter. Criteria: Invitae Variant Classification Sherloc (09022015). Collection method: clinical testing. Allele origin: germline.
Comment: In summary, the available evidence is currently insufficient to determine the role of this variant in disease. Therefore, it has been classified as a Variant of Uncertain Significance. Algorithms developed to predict the effect of missense changes on protein structure and function (SIFT, PolyPhen-2, Align-GVGD) all suggest that this variant is likely to be disruptive. This variant has not been reported in the literature in individuals affected with DICER1-related conditions. This variant is not present in population databases (gnomAD no frequency). This sequence change replaces leucine, which is neutral and non-polar, with histidine, which is basic and polar, at codon 266 of the DICER1 protein (p.Leu266His).

NM_177438.3(DICER1):c.797T>A (p.Leu266His)

Gene: DICER1 (dicer 1, ribonuclease III; minus strand). Cytogenetic location: 14q32.13.
Variant type: single nucleotide variant.
Coding change: c.797T>A on transcript NM_177438.3 (MANE Select); coding-DNA position 797, T replaced by A.
Protein change: p.Leu266His; replaces leucine 266 with histidine.
Molecular consequence: missense variant. On other transcripts: 5 prime UTR variant (1), non-coding transcript variant (6).
Genome position (GRCh38, 1-based): chr14:95,126,686, A>T on the plus strand (T>A on the coding strand, the complement: DICER1 is on the minus strand). VCF-style: chr14-95126686-A-T. GRCh37 (hg19) VCF-style: chr14-95593023-A-T.
Other names: c.797T>A, p.Leu266His (NM_001195573.1, NM_001271282.3, NM_001291628.2 and 15 more transcripts); c.515T>A, p.Leu172His (NM_001395686.1); c.392T>A, p.Leu131His (NM_001395687.1, NM_001395688.1, NM_001395689.1 and 3 more transcripts); c.230T>A, p.Leu77His (NM_001395691.1); c.-772T>A (NM_001395697.1); short protein forms L77H, L266H, L131H, L172H.
Identifiers: ClinVar variation 2122361 (VCV002122361.4), dbSNP rs2543230455, ClinGen allele CA390887731.